The following is an entry in ClinVar:

ClinVar aggregate classification (germline): Uncertain significance. Review status: criteria provided, multiple submitters, no conflicts (2 of 4 stars). 2 submissions from 2 submitters: Uncertain significance (2). Last evaluated 2025-03-04.

Submissions (2):

Center for Genomic Medicine, Rigshospitalet, Copenhagen University Hospital
Classification: Uncertain significance. Last evaluated: 2025-03-04. Review status: criteria provided, single submitter. Criteria: ACMG Guidelines, 2015. Collection method: clinical testing. Allele origin: germline.

Labcorp Genetics (formerly Invitae), Labcorp
Classification: Uncertain significance. Last evaluated: 2024-05-16. Review status: criteria provided, single submitter. Criteria: Invitae Variant Classification Sherloc (09022015). Collection method: clinical testing. Allele origin: germline.
Comment: This sequence change replaces alanine, which is neutral and non-polar, with proline, which is neutral and non-polar, at codon 658 of the MSH3 protein (p.Ala658Pro). This variant is not present in population databases (gnomAD no frequency). This variant has not been reported in the literature in individuals affected with MSH3-related conditions. ClinVar contains an entry for this variant (Variation ID: 1697503). An algorithm developed to predict the effect of missense changes on protein structure and function (PolyPhen-2) suggests that this variant is likely to be tolerated. In summary, the available evidence is currently insufficient to determine the role of this variant in disease. Therefore, it has been classified as a Variant of Uncertain Significance.

NM_002439.5(MSH3):c.1972G>C (p.Ala658Pro)

Gene: MSH3 (mutS homolog 3; plus strand). Cytogenetic location: 5q14.1.
Variant type: single nucleotide variant.
Coding change: c.1972G>C on transcript NM_002439.5 (MANE Select); coding-DNA position 1972, G replaced by C.
Protein change: p.Ala658Pro; replaces alanine 658 with proline.
Molecular consequence: missense variant.
Genome position (GRCh38, 1-based): chr5:80,768,008, G>C. VCF-style: chr5-80768008-G-C. GRCh37 (hg19) VCF-style: chr5-80063827-G-C.
Other names: short protein forms A658P.
Identifiers: ClinVar variation 1697503 (VCV001697503.9), dbSNP rs2112884378, ClinGen allele CA360277596.